The following is an entry in ClinVar:

NM_000222.3(KIT):c.1296A>G (p.Gly432=)

Gene: KIT (KIT proto-oncogene, receptor tyrosine kinase; plus strand). Cytogenetic location: 4q12.
Variant type: single nucleotide variant.
Coding change: c.1296A>G on transcript NM_000222.3 (MANE Select); coding-DNA position 1296, A replaced by G.
Protein change: p.Gly432=; no amino-acid change (glycine 432 retained).
Molecular consequence: synonymous variant.
Genome position (GRCh38, 1-based): chr4:54,723,648, A>G. VCF-style: chr4-54723648-A-G. GRCh37 (hg19) VCF-style: chr4-55589814-A-G.
Other names: c.1296A>G, p.Gly432= (NM_001093772.2, NM_001385285.1, NM_001385286.1); c.1299A>G, p.Gly433= (NM_001385284.1, NM_001385288.1, NM_001385290.1 and 1 more transcripts).
Identifiers: ClinVar variation 458865 (VCV000458865.17), dbSNP rs781686359, ClinGen allele CA2923449.

ClinVar aggregate classification (germline): Benign/Likely benign. Review status: criteria provided, multiple submitters, no conflicts (2 of 4 stars). 4 submissions from 4 submitters: Benign (1); Likely benign (2). 1 of the submissions does not count toward it. Last evaluated 2026-06-03.

Conditions:
KIT-related disorder. Also called: KIT-related condition.
Hereditary cancer-predisposing syndrome. Also called: Tumor predisposition; Hereditary neoplastic syndrome; Neoplastic Syndromes, Hereditary; Hereditary Cancer Syndrome. Identifiers: Orphanet 140162, MedGen C0027672, MeSH D009386, MONDO:0015356.
Gastrointestinal stromal tumor. Also called: Gastrointestinal stroma tumor; Gastrointestinal stromal tumor, somatic. Identifiers: Orphanet 44890, MedGen C0238198, MeSH D046152, MONDO:0011719, OMIM 606764, HP:0100723.

Allele frequency attached by ClinVar (database versions not stated): gnomAD exomes 0.00004; ExAC 0.00001; TOPMed 0.00002.
gnomAD v4.1: 20 of 1,614,030 alleles (0.0012%); highest among the groups gnomAD compares: Admixed American, 0.033%; no homozygotes.

Submissions (4):

Myriad Genetics, Inc.
Classification: Benign for Gastrointestinal stromal tumor. Last evaluated: 2026-06-03. Review status: criteria provided, single submitter. Criteria: Myriad Autosomal Dominant, Autosomal Recessive and X-Linked Classification Criteria (2023). Collection method: clinical testing. Allele origin: unknown.
Comment: This variant is considered benign. This variant is a silent/synonymous amino acid change and it is not expected to impact splicing.

Labcorp Genetics (formerly Invitae), Labcorp
Classification: Likely benign for Gastrointestinal stromal tumor. Last evaluated: 2026-01-18. Review status: criteria provided, single submitter. Criteria: Invitae Variant Classification Sherloc (09022015). Collection method: clinical testing. Allele origin: germline.

Ambry Genetics
Classification: Likely benign for Hereditary cancer-predisposing syndrome. Last evaluated: 2019-11-15. Review status: criteria provided, single submitter. Criteria: Ambry Variant Classification Scheme 2023. Collection method: clinical testing. Allele origin: germline.

PreventionGenetics, part of Exact Sciences
Classification: Likely benign for KIT-related condition. Last evaluated: 2021-05-17. Review status: no assertion criteria provided. Collection method: clinical testing. Allele origin: germline. Not counted in ClinVar's aggregate classification.
Comment: This variant is classified as likely benign based on ACMG/AMP sequence variant interpretation guidelines (Richards et al. 2015 PMID: 25741868, with internal and published modifications).